The following is an entry in ClinVar:

NM_002907.4(RECQL):c.1877A>C (p.Lys626Thr)

Genes: PYROXD1 (pyridine nucleotide-disulphide oxidoreductase domain 1; plus strand), RECQL (RecQ like helicase; minus strand). Cytogenetic location: 12p12.1.
Variant type: single nucleotide variant.
Coding change: c.1877A>C on transcript NM_002907.4 (MANE Select); coding-DNA position 1877, A replaced by C.
Protein change: p.Lys626Thr; replaces lysine 626 with threonine.
Molecular consequence: missense variant. On other transcripts: 3 prime UTR variant (3).
Genome position (GRCh38, 1-based): chr12:21,470,267, T>G on the plus strand (A>C on the coding strand, the complement: RECQL is on the minus strand). VCF-style: chr12-21470267-T-G. GRCh37 (hg19) VCF-style: chr12-21623201-T-G.
Other names: c.1877A>C, p.Lys626Thr (NM_032941.3); c.*1513T>G (NM_001350912.2, NM_001350913.2, NM_024854.5); short protein forms K626T.
Identifiers: ClinVar variation 1781795 (VCV001781795.4), dbSNP rs555780310, ClinGen allele CA6478594.

ClinVar aggregate classification (germline): Uncertain significance (1 of 4 stars; one submission).

Allele frequency attached by ClinVar (database versions not stated): TOPMed below 0.00001.
gnomAD v4.1: 28 of 1,610,180 alleles (0.0017%); highest among the groups gnomAD compares: East Asian, 0.049%; 1 homozygote.

Submission:

Ambry Genetics
Classification: Uncertain significance. Last evaluated: 2025-09-19. Review status: criteria provided, single submitter. Criteria: Ambry Variant Classification Scheme 2023. Collection method: clinical testing. Allele origin: germline.
Comment: The p.K626T variant (also known as c.1877A>C), located in coding exon 14 of the RECQL gene, results from an A to C substitution at nucleotide position 1877. The lysine at codon 626 is replaced by threonine, an amino acid with similar properties. This amino acid position is conserved. In addition, this alteration is predicted to be tolerated by in silico analysis. Since supporting evidence is limited at this time, the clinical significance of this alteration remains unclear.